The following is an entry in ClinVar:

ClinVar aggregate classification (germline): Uncertain significance. Review status: criteria provided, multiple submitters, no conflicts (2 of 4 stars). 2 submissions from 2 submitters: Uncertain significance (2). Last evaluated 2025-09-01.

Conditions:
Inborn genetic diseases. Identifiers: MedGen C0950123, MeSH D030342.
Hereditary spastic paraplegia 11. Also called: Spastic Paraplegia 11; Nakamura Osame syndrome; Autosomal recessive hereditary spastic paraplegia, mental impairment, and thin corpus callosum; SPASTIC PARAPLEGIA, AUTOSOMAL RECESSIVE, COMPLICATED, WITH THIN CORPUS CALLOSUM; SPASTIC PARAPLEGIA, AUTOSOMAL RECESSIVE, WITH MENTAL IMPAIRMENT AND THIN CORPUS CALLOSUM; Spastic paraplegia, mental retardation and thin corpus callosum. Identifiers: Orphanet 2822, MedGen C1858479, MONDO:0011445, OMIM 604360.

gnomAD v4.1: 8 of 1,614,040 alleles (0.0005%); highest among the groups gnomAD compares: Non-Finnish European, 0.00068%; no homozygotes.

Submissions (2):

Ambry Genetics
Classification: Uncertain significance for Inborn genetic diseases. Last evaluated: 2025-09-01. Review status: criteria provided, single submitter. Criteria: Ambry Variant Classification Scheme 2023. Collection method: clinical testing. Allele origin: germline.

Labcorp Genetics (formerly Invitae), Labcorp
Classification: Uncertain significance for Hereditary spastic paraplegia 11. Last evaluated: 2021-09-01. Review status: criteria provided, single submitter. Criteria: Invitae Variant Classification Sherloc (09022015). Collection method: clinical testing. Allele origin: germline.
Comment: This sequence change replaces serine with phenylalanine at codon 92 of the SPG11 protein (p.Ser92Phe). The serine residue is moderately conserved and there is a large physicochemical difference between serine and phenylalanine. This variant is not present in population databases (ExAC no frequency). This variant has not been reported in the literature in individuals affected with SPG11-related conditions. Algorithms developed to predict the effect of missense changes on protein structure and function are either unavailable or do not agree on the potential impact of this missense change (SIFT: "Deleterious"; PolyPhen-2: "Probably Damaging"; Align-GVGD: "Class C0"). In summary, the available evidence is currently insufficient to determine the role of this variant in disease. Therefore, it has been classified as a Variant of Uncertain Significance.

NM_025137.4(SPG11):c.275C>T (p.Ser92Phe)

Gene: SPG11 (SPG11 vesicle trafficking associated, spatacsin; minus strand). Cytogenetic location: 15q21.1.
Variant type: single nucleotide variant.
Coding change: c.275C>T on transcript NM_025137.4 (MANE Select); coding-DNA position 275, C replaced by T.
Protein change: p.Ser92Phe; replaces serine 92 with phenylalanine.
Molecular consequence: missense variant.
Genome position (GRCh38, 1-based): chr15:44,660,599, G>A on the plus strand (C>T on the coding strand, the complement: SPG11 is on the minus strand). VCF-style: chr15-44660599-G-A. GRCh37 (hg19) VCF-style: chr15-44952797-G-A.
Other names: c.275C>T, p.Ser92Phe (NM_001160227.2); c.275C>T (NM_025137.3); short protein forms S92F.
Identifiers: ClinVar variation 1349540 (VCV001349540.6), dbSNP rs749964630, ClinGen allele CA270111031.